The following is an entry in ClinVar:

ClinVar aggregate classification (germline): Pathogenic (1 of 4 stars; one submission).

Conditions:
Autosomal recessive bestrophinopathy. Also called: Autosomal Recessive Bestrophinopathy (ARB). Identifiers: Orphanet 139455, MedGen C3888198, MONDO:0012733, OMIM 611809.

Submission:

Institute of Human Genetics, University of Leipzig Medical Center
Classification: Pathogenic for Autosomal recessive bestrophinopathy. Last evaluated: 2024-10-01. Review status: criteria provided, single submitter. Criteria: ACMG Guidelines, 2015. Collection method: clinical testing. Allele origin: unknown. Inheritance: Autosomal recessive inheritance. Affected: yes.
Comment: Criteria applied: PVS1,PM2,PM3_SUP

NM_004183.4(BEST1):c.551_552delinsT (p.Pro184fs)

Gene: BEST1 (bestrophin 1; plus strand). Cytogenetic location: 11q12.3.
Variant type: Indel.
Coding change: c.551_552delinsT on transcript NM_004183.4 (MANE Select); coding-DNA positions 551 to 552, CC replaced by T.
Protein change: p.Pro184fs; shifts the reading frame from proline 184.
Molecular consequence: frameshift variant. On other transcripts: non-coding transcript variant (1).
Genome position (GRCh38, 1-based): chr11:61,956,913-61,956,914, CC replaced by T. VCF-style: chr11-61956913-CC-T. GRCh37 (hg19) VCF-style: chr11-61724385-CC-T.
Other names: c.371_372delCCinsT, p.Pro124Leufs (NM_001139443.3); c.371_372delinsT, p.Pro124fs (NM_001300786.2, NM_001300787.2); c.233_234delCCinsT, p.Pro78Leufs (NM_001363591.3); c.551_552delCCinsT, p.Pro184Leufs (NM_001363592.2); c.-625_-624delCCinsT (NM_001363593.3); short protein forms P124fs, P184fs, P78fs.
Identifiers: ClinVar variation 3359098 (VCV003359098.2).